The following is an entry in ClinVar:

NM_001379451.1(BCORL1):c.3189C>T (p.Ala1063=)

Gene: BCORL1 (BCL6 corepressor like 1; plus strand). Cytogenetic location: Xq26.1.
Variant type: single nucleotide variant.
Coding change: c.3189C>T on transcript NM_001379451.1 (MANE Select); coding-DNA position 3189, C replaced by T.
Protein change: p.Ala1063=; no amino-acid change (alanine 1063 retained).
Molecular consequence: synonymous variant.
Genome position (GRCh38, 1-based): chrX:130,015,961, C>T. VCF-style: chrX-130015961-C-T. GRCh37 (hg19) VCF-style: chrX-129149937-C-T.
Other names: c.3189C>T, p.Ala1063= (NM_001184772.3, NM_001379450.1, NM_021946.5).
Identifiers: ClinVar variation 1266594 (VCV001266594.5), dbSNP rs7061871, ClinGen allele CA10514457.

ClinVar aggregate classification (germline): Benign. Review status: criteria provided, multiple submitters, no conflicts (2 of 4 stars). 3 submissions from 3 submitters: Benign (2). 1 of the submissions does not count toward it. Last evaluated 2018-09-27.

Conditions:
BCORL1-related disorder. Also called: BCORL1-related condition.

Allele frequency attached by ClinVar (database versions not stated): gnomAD exomes 0.00497 and 0.01327; ExAC 0.01642; gnomAD 0.04635 and 0.04949; TOPMed 0.05328; 1000 Genomes Project 0.05404; 1000 Genomes Project 30x 0.05536; ESP Exome Variant Server 0.05775.
gnomAD v4.1: 10,911 of 1,209,843 alleles (0.9%); highest among the groups gnomAD compares: African/African-American, 16%; 594 homozygotes.

Submissions (3):

GeneDx
Classification: Benign. Last evaluated: 2018-09-27. Review status: criteria provided, single submitter. Criteria: GeneDx Variant Classification Process June 2021. Collection method: clinical testing. Allele origin: germline. Affected: yes.

Breakthrough Genomics
Classification: Benign. Review status: criteria provided, single submitter. Criteria: ACMG Guidelines, 2015. Collection method: not provided. Allele origin: germline. Inheritance: X-linked inheritance. Affected: yes.

PreventionGenetics, part of Exact Sciences
Classification: Benign for BCORL1-related condition. Last evaluated: 2023-09-19. Review status: no assertion criteria provided. Collection method: clinical testing. Allele origin: germline. Not counted in ClinVar's aggregate classification.
Comment: This variant is classified as benign based on ACMG/AMP sequence variant interpretation guidelines (Richards et al. 2015 PMID: 25741868, with internal and published modifications).